The following is an entry in ClinVar:

ClinVar aggregate classification (germline): Conflicting classifications of pathogenicity. Review status: criteria provided, conflicting classifications (1 of 4 stars). 2 submissions from 2 submitters: Pathogenic (1); Uncertain significance (1). Last evaluated 2025-06-03.

Conditions:
Papillon-Lefèvre syndrome (PALS). Also called: Papillon-Lefevre Disease; KERATOSIS PALMOPLANTARIS WITH PERIODONTOPATHIA. Identifiers: Orphanet 678, MedGen C0030360, MONDO:0009490, OMIM 245000.

Allele frequency attached by ClinVar (database versions not stated): gnomAD exomes below 0.00001.
gnomAD v4.1: 2 of 1,614,126 alleles (0.00012%); highest among the groups gnomAD compares: Non-Finnish European, 0.00017%; no homozygotes.

Submissions (2):

Women's Health and Genetics/Laboratory Corporation of America, LabCorp
Classification: Pathogenic for Papillon-Lefèvre syndrome. Last evaluated: 2025-06-03. Review status: criteria provided, single submitter. Criteria: LabCorp Variant Classification Summary - May 2015. Collection method: clinical testing. Allele origin: germline.
Comment: Variant summary: CTSC c.899G>A (p.Gly300Asp) results in a non-conservative amino acid change in the encoded protein sequence. Algorithms developed to predict the effect of missense changes on protein structure and function all suggest that this variant is likely to be disruptive. The variant was absent in 250964 control chromosomes (gnomAD). c.899G>A has been observed in multiple individuals affected with Papillon-Lefevre syndrome, showing evidence of cosegregation with disease (e.g., Zhang_2001, Erzurumluoglu_2015). These data indicate that the variant is very likely to be associated with disease. To our knowledge, no experimental evidence demonstrating an impact on protein function has been reported. The following publications have been ascertained in the context of this evaluation (PMID: 11158173, 25799584). ClinVar contains an entry for this variant (Variation ID: 3064404). Based on the evidence outlined above, the variant was classified as pathogenic.

Genomic Medicine Center of Excellence, King Faisal Specialist Hospital and Research Centre
Classification: Uncertain significance for Papillon-Lefèvre syndrome. Last evaluated: 2024-03-25. Review status: criteria provided, single submitter. Criteria: ACMG Guidelines, 2015. Collection method: research. Allele origin: germline.

Literature cited by the submitters: PubMed 25799584 (cited by Women's Health and Genetics/Laboratory Corporation of America, LabCorp); PubMed 11158173 (cited by Women's Health and Genetics/Laboratory Corporation of America, LabCorp).

NM_001814.6(CTSC):c.899G>A (p.Gly300Asp)

Gene: CTSC (cathepsin C; minus strand). Cytogenetic location: 11q14.2.
Variant type: single nucleotide variant.
Coding change: c.899G>A on transcript NM_001814.6 (MANE Select); coding-DNA position 899, G replaced by A.
Protein change: p.Gly300Asp; replaces glycine 300 with aspartic acid.
Molecular consequence: missense variant.
Genome position (GRCh38, 1-based): chr11:88,294,499, C>T on the plus strand (G>A on the coding strand, the complement: CTSC is on the minus strand). VCF-style: chr11-88294499-C-T. GRCh37 (hg19) VCF-style: chr11-88027667-C-T.
Other names: short protein forms G300D.
Identifiers: ClinVar variation 3064404 (VCV003064404.3), dbSNP rs2496530112, ClinGen allele CA382022320.